The following is an entry in ClinVar:

ClinVar aggregate classification (germline): Uncertain significance (1 of 4 stars; one submission).

Submission:

GeneDx
Classification: Uncertain significance. Last evaluated: 2025-06-06. Review status: criteria provided, single submitter. Criteria: GeneDx Variant Classification Process June 2021. Collection method: clinical testing. Allele origin: germline. Affected: yes.
Comment: Not observed at significant frequency in large population cohorts (gnomAD); In silico analysis supports a deleterious effect on protein structure/function; Has not been previously published as pathogenic or benign to our knowledge

NM_014423.4(AFF4):c.3226_3227delinsTT (p.Ala1076Phe)

Gene: AFF4 (ALF transcription elongation factor 4; minus strand). Cytogenetic location: 5q31.1.
Variant type: Indel.
Coding change: c.3226_3227delinsTT on transcript NM_014423.4 (MANE Select); coding-DNA positions 3226 to 3227, GC replaced by TT.
Protein change: p.Ala1076Phe; replaces alanine 1076 with phenylalanine.
Molecular consequence: missense variant.
Genome position (GRCh38, 1-based): chr5:132,883,477-132,883,478, GC replaced by AA on the plus strand (GC replaced by TT on the coding strand, the reverse complement: AFF4 is on the minus strand). VCF-style: chr5-132883477-GC-AA. GRCh37 (hg19) VCF-style: chr5-132219169-GC-AA.
Other names: short protein forms A1076F.
Identifiers: ClinVar variation 4536186 (VCV004536186.1).